The following is an entry in ClinVar:

ClinVar aggregate classification (germline): Uncertain significance (1 of 4 stars; one submission).

gnomAD v4.1: 9 of 1,557,476 alleles (0.00058%); highest among the groups gnomAD compares: African/African-American, 0.0041%; no homozygotes.

Submission:

ARUP Laboratories, Molecular Genetics and Genomics, ARUP Laboratories
Classification: Uncertain significance. Last evaluated: 2024-01-26. Review status: criteria provided, single submitter. Criteria: ARUP Molecular Germline Variant Investigation Process 2024. Collection method: clinical testing. Allele origin: germline.
Comment: The POR c.598G>A; p.Ala200Thr variant (rs1294122450), to our knowledge, is not reported in the medical literature or gene specific databases. This variant is only found on one allele in the Genome Aggregation Database (v2.1.1), indicating it is not a common polymorphism. Computational analyses predict that this variant is deleterious (REVEL: 0.84). Due to limited information, the clinical significance of this variant is uncertain at this time.

NM_001395413.1(POR):c.589G>A (p.Ala197Thr)

Gene: POR (cytochrome p450 oxidoreductase; plus strand). Cytogenetic location: 7q11.23.
Variant type: single nucleotide variant.
Coding change: c.589G>A on transcript NM_001395413.1 (MANE Select); coding-DNA position 589, G replaced by A.
Protein change: p.Ala197Thr; replaces alanine 197 with threonine.
Molecular consequence: missense variant.
Genome position (GRCh38, 1-based): chr7:75,981,129, G>A. VCF-style: chr7-75981129-G-A. GRCh37 (hg19) VCF-style: chr7-75610447-G-A.
Other names: c.589G>A, p.Ala197Thr (NM_001367562.3, NM_001382657.2, NM_001382658.3 and 2 more transcripts); c.643G>A, p.Ala215Thr (NM_001382655.3); short protein forms A197T, A215T.
Identifiers: ClinVar variation 3767047 (VCV003767047.1).